The following is an entry in ClinVar:

ClinVar aggregate classification (germline): Pathogenic (1 of 4 stars; one submission).

Conditions:
Hereditary cancer-predisposing syndrome. Also called: Hereditary Cancer Syndrome; Hereditary neoplastic syndrome; Neoplastic Syndromes, Hereditary; Tumor predisposition. Identifiers: Orphanet 140162, MedGen C0027672, MeSH D009386, MONDO:0015356.

Submission:

Ambry Genetics
Classification: Pathogenic for Hereditary cancer-predisposing syndrome. Last evaluated: 2021-12-15. Review status: criteria provided, single submitter. Criteria: Ambry Variant Classification Scheme 2023. Collection method: clinical testing. Allele origin: germline.
Comment: The c.1292_1304del13 pathogenic mutation, located in coding exon 8 of the BRIP1 gene, results from a deletion of 13 nucleotides at nucleotide positions 1292 to 1304, causing a translational frameshift with a predicted alternate stop codon (p.R431Mfs*15). This variant is considered to be rare based on population cohorts in the Genome Aggregation Database (gnomAD). This alteration is expected to result in loss of function by premature protein truncation or nonsense-mediated mRNA decay. As such, this alteration is interpreted as a disease-causing mutation.

NM_032043.3(BRIP1):c.1292_1304del (p.Arg431fs)

Gene: BRIP1 (BRCA1 interacting DNA helicase 1; minus strand). Cytogenetic location: 17q23.2.
Variant type: Deletion.
Coding change: c.1292_1304del on transcript NM_032043.3 (MANE Select); coding-DNA positions 1292 to 1304, 13 bases deleted (GGAAGAAAGATCA).
Protein change: p.Arg431fs; shifts the reading frame from arginine 431.
Molecular consequence: frameshift variant.
Genome position (GRCh38, 1-based): chr17:61,799,136-61,799,148, TGATCTTTCTTCC deleted on the plus strand (GGAAGAAAGATCA on the coding strand, the reverse complement: BRIP1 is on the minus strand); deleting any 13 consecutive bases within chr17:61,799,136-61,799,149 gives the same sequence; the c. name uses the placement nearest the transcript's 3' end. VCF-style (leftmost placement, unchanged base first): chr17-61799135-ATGATCTTTCTTCC-A. GRCh37 (hg19) VCF-style: chr17-59876496-ATGATCTTTCTTCC-A.
Other names: c.1292_1304del13 (NM_032043.2); short protein forms R431fs.
Identifiers: ClinVar variation 1769124 (VCV001769124.2), dbSNP rs2545134894, ClinGen allele CA2580094471.